The following is an entry in ClinVar:

ClinVar aggregate classification (germline): Uncertain significance (1 of 4 stars; one submission).

Submission:

Labcorp Genetics (formerly Invitae), Labcorp
Classification: Uncertain significance. Last evaluated: 2022-06-28. Review status: criteria provided, single submitter. Criteria: Invitae Variant Classification Sherloc (09022015). Collection method: clinical testing. Allele origin: germline.
Comment: This sequence change falls in intron 2 of the CACNA1B gene. It does not directly change the encoded amino acid sequence of the CACNA1B protein. It affects a nucleotide within the consensus splice site. The frequency data for this variant in the population databases is considered unreliable, as metrics indicate poor data quality at this position in the gnomAD database. This variant has not been reported in the literature in individuals affected with CACNA1B-related conditions. Variants that disrupt the consensus splice site are a relatively common cause of aberrant splicing (PMID: 17576681, 9536098). Algorithms developed to predict the effect of sequence changes on RNA splicing suggest that this variant may disrupt the consensus splice site. In summary, the available evidence is currently insufficient to determine the role of this variant in disease. Therefore, it has been classified as a Variant of Uncertain Significance.

Literature cited by the submitters: PubMed 17576681; PubMed 9536098.

NM_000718.4(CACNA1B):c.390+1_390+2insACGACACGGAGCCCTATTTCATCGGGATCTTT

Genes: CACNA1B (calcium voltage-gated channel subunit alpha1 B; plus strand), CACNA1B-AS2 (CACNA1B antisense RNA 2; minus strand). Cytogenetic location: 9q34.3.
Variant type: Insertion.
Coding change: c.390+1_390+2insACGACACGGAGCCCTATTTCATCGGGATCTTT on transcript NM_000718.4 (MANE Select); the canonical splice donor site of the intron after coding-DNA position 390, ACGACACGGAGCCCTATTTCATCGGGATCTTT inserted.
Molecular consequence: splice donor variant.
Genome position: GRCh38: chr9:137,879,160-137,879,161. GRCh37 (hg19): chr9:140,773,612-140,773,613.
Other names: c.390+1_390+2insACGACACGGAGCCCTATTTCATCGGGATCTTT (NM_001243812.2).
Identifiers: ClinVar variation 2035815 (VCV002035815.1), dbSNP rs370237172, ClinGen allele CA5375737.
Genomic context (GRCh38, chr9:137,879,160, plus strand): 5'-GTGCTGGCCCTGGAGCAGCACCTCCCTGATGGGGACAAAACGCCCATGTCCGAGCGGCTG[G>GACGACACGGAGCCCTATTTCATCGGGATCTTT]TGAGTGCCCGGCTGGGCCTGAGGGCAGGGTGGTGGGGAGGCCGCGACTCCACTTTCCTTT-3'